The following is an entry in ClinVar:

ClinVar aggregate classification (germline): Pathogenic (1 of 4 stars; one submission).

Allele frequency attached by ClinVar (database versions not stated): gnomAD exomes below 0.00001.

Submission:

Labcorp Genetics (formerly Invitae), Labcorp
Classification: Pathogenic. Last evaluated: 2017-08-18. Review status: criteria provided, single submitter. Criteria: Invitae Variant Classification Sherloc (09022015). Collection method: clinical testing. Allele origin: germline.
Comment: This sequence change creates a premature translational stop signal (p.Arg478*) in the DCHS1 gene. It is expected to result in an absent or disrupted protein product. This variant is not present in population databases (ExAC no frequency). This variant has not been reported in the literature in individuals with DCHS1-related disease. Loss-of-function variants in DCHS1 are known to be pathogenic (PMID: 26258302, 24056717). For these reasons, this variant has been classified as Pathogenic.

Literature cited by the submitters: PubMed 26258302; PubMed 24056717.

NM_003737.4(DCHS1):c.1432C>T (p.Arg478Ter)

Gene: DCHS1 (dachsous cadherin-related 1; minus strand). Cytogenetic location: 11p15.4.
Variant type: single nucleotide variant.
Coding change: c.1432C>T on transcript NM_003737.4 (MANE Select); coding-DNA position 1432, C replaced by T.
Protein change: p.Arg478Ter; replaces arginine 478 with a stop codon.
Molecular consequence: nonsense.
Genome position (GRCh38, 1-based): chr11:6,640,182, G>A on the plus strand (C>T on the coding strand, the complement: DCHS1 is on the minus strand). VCF-style: chr11-6640182-G-A. GRCh37 (hg19) VCF-style: chr11-6661413-G-A.
Other names: short protein forms R478*.
Identifiers: ClinVar variation 1072561 (VCV001072561.2), dbSNP rs2134643885, ClinGen allele CA379432186.